The following is an entry in ClinVar:

ClinVar aggregate classification (germline): Pathogenic (1 of 4 stars; one submission).

Conditions:
Retinoblastoma (RB1). Also called: RETINOBLASTOMA, SOMATIC. Identifiers: Orphanet 790, MedGen C0035335, MeSH D012175, MONDO:0008380, OMIM 180200, HP:0009919. Disease mechanism: loss of function. Inheritance: Both sporadic and heritable forms are tested..

Submission:

Genetic Diagnostic Laboratory, University of Pennsylvania School of Medicine
Classification: Pathogenic for Retinoblastoma. Last evaluated: 2024-05-20. Review status: criteria provided, single submitter. Criteria: ACMG Guidelines, 2015. Collection method: clinical testing. Allele origin: germline. Affected: yes. Observed: 1 variant allele.
Comment: Case and Pedigree Information: BILATERAL CASES:1, UNILATERAL CASES:0, TOTAL CASES:1, PEDIGREES:1. ACMG Codes Applied:PVS1, PM2

NM_000321.3(RB1):c.1422-1_1428dup

Gene: RB1 (RB transcriptional corepressor 1; plus strand). Cytogenetic location: 13q14.2.
Variant type: Duplication.
Coding change: c.1422-1_1428dup on transcript NM_000321.3 (MANE Select); the canonical splice acceptor site of the intron before coding-DNA position 1422 through coding-DNA position 1428, 8 bases duplicated (GCAAACTT; older notation c.1422-1_1428dupGCAAACTT).
Molecular consequence: splice acceptor variant.
Genome position (GRCh38, 1-based): chr13:48,380,164-48,380,171, GCAAACTT duplicated. VCF-style (leftmost placement, unchanged base first): chr13-48380163-A-AGCAAACTT. GRCh37 (hg19) VCF-style: chr13-48954299-A-AGCAAACTT.
Other names: c.1422-1_1428dup (NM_001407165.1, NM_001407166.1).
Identifiers: ClinVar variation 3236986 (VCV003236986.1), dbSNP rs2542204506.